The following is an entry in ClinVar:

ClinVar aggregate classification (germline): Pathogenic (1 of 4 stars; one submission).

Conditions:
Cornelia de Lange syndrome 1 (CDLS1). Also called: Brachmann de Lange syndrome; NIPBL-Related Cornelia de Lange Syndrome; TYPUS DEGENERATIVUS AMSTELODAMENSIS. Identifiers: Orphanet 199, MedGen C4551851, MONDO:0007387, OMIM 122470.

Submission:

Labcorp Genetics (formerly Invitae), Labcorp
Classification: Pathogenic for Cornelia de Lange syndrome 1. Last evaluated: 2024-10-17. Review status: criteria provided, single submitter. Criteria: Invitae Variant Classification Sherloc (09022015). Collection method: clinical testing. Allele origin: germline.
Comment: This sequence change replaces arginine, which is basic and polar, with proline, which is neutral and non-polar, at codon 2400 of the NIPBL protein (p.Arg2400Pro). This variant is not present in population databases (gnomAD no frequency). This missense change has been observed in individual(s) with Cornelia de Lange syndrome (internal data). In at least one individual the variant was observed to be de novo. ClinVar contains an entry for this variant (Variation ID: 1000617). Invitae Evidence Modeling of protein sequence and biophysical properties (such as structural, functional, and spatial information, amino acid conservation, physicochemical variation, residue mobility, and thermodynamic stability) indicates that this missense variant is expected to disrupt NIPBL protein function with a positive predictive value of 95%. This variant disrupts the p.Arg2400 amino acid residue in NIPBL. Other variant(s) that disrupt this residue have been determined to be pathogenic (PMID: 31019026). This suggests that this residue is clinically significant, and that variants that disrupt this residue are likely to be disease-causing. For these reasons, this variant has been classified as Pathogenic.

Literature cited by the submitters: PubMed 31019026.

NM_133433.4(NIPBL):c.7199G>C (p.Arg2400Pro)

Gene: NIPBL (NIPBL cohesin loading factor; plus strand). Cytogenetic location: 5p13.2.
Variant type: single nucleotide variant.
Coding change: c.7199G>C on transcript NM_133433.4 (MANE Select); coding-DNA position 7199, G replaced by C.
Protein change: p.Arg2400Pro; replaces arginine 2400 with proline.
Molecular consequence: missense variant.
Genome position (GRCh38, 1-based): chr5:37,052,502, G>C. VCF-style: chr5-37052502-G-C. GRCh37 (hg19) VCF-style: chr5-37052604-G-C.
Other names: c.7199G>C, p.Arg2400Pro (NM_015384.5); short protein forms R2400P.
Identifiers: ClinVar variation 1000617 (VCV001000617.10), dbSNP rs765741574, ClinGen allele CA359511754.